The following is an entry in ClinVar:

NM_001384474.1(LOXHD1):c.3514+1G>C

Gene: LOXHD1 (lipoxygenase homology PLAT domains 1; minus strand). Cytogenetic location: 18q21.1.
Variant type: single nucleotide variant.
Coding change: c.3514+1G>C on transcript NM_001384474.1 (MANE Select); the canonical splice donor site of the intron after coding-DNA position 3514, G replaced by C.
Molecular consequence: splice donor variant.
Genome position (GRCh38, 1-based): chr18:46,546,894, C>G on the plus strand (G>C on the coding strand, the complement: LOXHD1 is on the minus strand). VCF-style: chr18-46546894-C-G. GRCh37 (hg19) VCF-style: chr18-44126857-C-G.
Other names: c.3514+1G>C (NM_144612.6, NM_144612.7); c.181+1G>C (NM_001145472.3); c.-108+1G>C (NM_001308013.2).
Identifiers: ClinVar variation 2005997 (VCV002005997.5), dbSNP rs1463849219, ClinGen allele CA402366893.

ClinVar aggregate classification (germline): Likely pathogenic. Review status: criteria provided, multiple submitters, no conflicts (2 of 4 stars). 2 submissions from 2 submitters: Likely pathogenic (2). Last evaluated 2025-03-14.

Conditions:
LOXHD1-related disorder. Also called: LOXHD1-related condition.

Submissions (2):

PreventionGenetics, part of Exact Sciences
Classification: Likely pathogenic for LOXHD1-related condition. Last evaluated: 2025-03-14. Review status: criteria provided, single submitter. Criteria: ACMG Guidelines, 2015. Collection method: clinical testing. Allele origin: germline.
Comment: The LOXHD1 c.3514+1G>C variant is predicted to disrupt the GT donor site and interfere with normal splicing. To our knowledge, this variant has not been reported in the literature. This variant is reported in 0.0044% of alleles in individuals of South Asian descent in gnomAD. Variants that disrupt the consensus splice donor site in LOXHD1 are expected to be pathogenic. This variant is interpreted as likely pathogenic.

Labcorp Genetics (formerly Invitae), Labcorp
Classification: Likely pathogenic. Last evaluated: 2023-06-25. Review status: criteria provided, single submitter. Criteria: Invitae Variant Classification Sherloc (09022015). Collection method: clinical testing. Allele origin: germline.
Comment: ClinVar contains an entry for this variant (Variation ID: 2005997). In summary, the currently available evidence indicates that the variant is pathogenic, but additional data are needed to prove that conclusively. Therefore, this variant has been classified as Likely Pathogenic. Algorithms developed to predict the effect of sequence changes on RNA splicing suggest that this variant may disrupt the consensus splice site. This variant has not been reported in the literature in individuals affected with LOXHD1-related conditions. This variant is present in population databases (no rsID available, gnomAD 0.002%). This sequence change affects a donor splice site in intron 22 of the LOXHD1 gene. It is expected to disrupt RNA splicing. Variants that disrupt the donor or acceptor splice site typically lead to a loss of protein function (PMID: 16199547), and loss-of-function variants in LOXHD1 are known to be pathogenic (PMID: 19732867, 21465660, 25792669).

Literature cited by the submitters: PubMed 16199547 (cited by Labcorp Genetics (formerly Invitae), Labcorp); PubMed 19732867 (cited by Labcorp Genetics (formerly Invitae), Labcorp); PubMed 21465660 (cited by Labcorp Genetics (formerly Invitae), Labcorp); PubMed 25792669 (cited by Labcorp Genetics (formerly Invitae), Labcorp).